The following is an entry in ClinVar:

ClinVar aggregate classification (germline): Uncertain significance (1 of 4 stars; one submission).

Conditions:
Inborn genetic diseases. Identifiers: MedGen C0950123, MeSH D030342.

gnomAD v4.1: 1 of 1,613,614 alleles (0.000062%); highest among the groups gnomAD compares: South Asian, 0.0011%; no homozygotes.

Submission:

Ambry Genetics
Classification: Uncertain significance for Inborn genetic diseases. Last evaluated: 2025-08-08. Review status: criteria provided, single submitter. Criteria: Ambry Variant Classification Scheme 2023. Collection method: clinical testing. Allele origin: germline.
Comment: The p.G1101R variant (also known as c.3301G>C), located in coding exon 15 of the MECOM gene, results from a G to C substitution at nucleotide position 3301. The glycine at codon 1101 is replaced by arginine, an amino acid with dissimilar properties. This amino acid position is conserved. In addition, this alteration is predicted to be tolerated by in silico analysis. Based on the available evidence, the clinical significance of this variant remains unclear.

NM_004991.4(MECOM):c.3301G>C (p.Gly1101Arg)

Gene: MECOM (MDS1 and EVI1 complex locus; minus strand). Cytogenetic location: 3q26.2.
Variant type: single nucleotide variant.
Coding change: c.3301G>C on transcript NM_004991.4 (MANE Select); coding-DNA position 3301, G replaced by C.
Protein change: p.Gly1101Arg; replaces glycine 1101 with arginine.
Molecular consequence: missense variant.
Genome position (GRCh38, 1-based): chr3:169,090,100, C>G on the plus strand (G>C on the coding strand, the complement: MECOM is on the minus strand). VCF-style: chr3-169090100-C-G. GRCh37 (hg19) VCF-style: chr3-168807888-C-G.
Other names: c.2932G>C, p.Gly978Arg (NM_001105077.4); c.2737G>C, p.Gly913Arg (NM_001105078.4, NM_001205194.2, NM_001366469.2 and 1 more transcripts); c.2713G>C, p.Gly905Arg (NM_001163999.2, NM_001366470.2); c.2710G>C, p.Gly904Arg (NM_001164000.2, NM_001366471.2, NM_001366472.2); c.3274G>C, p.Gly1092Arg (NM_001366466.2); c.2740G>C, p.Gly914Arg (NM_001366467.2, NM_001366468.2); c.2302G>C, p.Gly768Arg (NM_001366473.2); c.1738G>C, p.Gly580Arg (NM_001366474.2); short protein forms G768R, G1101R, G904R, G1092R, G905R, G913R, G914R, G580R.
Identifiers: ClinVar variation 4105836 (VCV004105836.1).
Genomic context (GRCh38, chr3:169,090,100, plus strand): 5'-TTTCTTCATAGTCATCCTCAGGGTTTCCTTCATGTAAATTACTTGTCACTGGTTCCTTTC[C>G]TGTTTTTCCAGTAATATCATTGTCTTCATCCTCCTCATCTAACAACACCTCATCTTCAAC-3'
Protein context (NP_004982.2, residues 1091-1111): DEDNDITGKT[Gly1101Arg]KEPVTSNLHE